The following is an entry in ClinVar:

NM_002834.5(PTPN11):c.1599+293C>T

Gene: PTPN11 (protein tyrosine phosphatase non-receptor type 11; plus strand). Cytogenetic location: 12q24.13.
Variant type: single nucleotide variant.
Coding change: c.1599+293C>T on transcript NM_002834.5 (MANE Select); 293 bases into the intron after coding-DNA position 1599, C replaced by T.
Molecular consequence: intron variant.
Genome position (GRCh38, 1-based): chr12:112,489,468, C>T. VCF-style: chr12-112489468-C-T. GRCh37 (hg19) VCF-style: chr12-112927272-C-T.
Other names: c.1611+293C>T (NM_001330437.2); c.1596+293C>T (NM_001374625.1).
Identifiers: ClinVar variation 561822 (VCV000561822.1), dbSNP rs7975439, ClinGen allele CA243714901.

ClinVar aggregate classification (germline): Benign (1 of 4 stars; one submission).

Allele frequency attached by ClinVar (database versions not stated): gnomAD 0.03950 and 0.04161; 1000 Genomes Project 0.04293; TOPMed 0.04364; 1000 Genomes Project 30x 0.04528.

Submission:

GeneDx
Classification: Benign. Last evaluated: 2018-06-14. Review status: criteria provided, single submitter. Criteria: GeneDx Variant Classification (06012015). Collection method: clinical testing. Allele origin: germline. Affected: yes.
Comment: This variant is considered likely benign or benign based on one or more of the following criteria: it is a conservative change, it occurs at a poorly conserved position in the protein, it is predicted to be benign by multiple in silico algorithms, and/or has population frequency not consistent with disease.